The following is an entry in ClinVar:

ClinVar aggregate classification (germline): Uncertain significance (1 of 4 stars; one submission).

Conditions:
Inborn genetic diseases. Identifiers: MedGen C0950123, MeSH D030342.

gnomAD v4.1: 2 of 1,613,750 alleles (0.00012%); highest among the groups gnomAD compares: South Asian, 0.0022%; no homozygotes.

Submission:

Ambry Genetics
Classification: Uncertain significance for Inborn genetic diseases. Last evaluated: 2026-05-28. Review status: criteria provided, single submitter. Criteria: Ambry Variant Classification Scheme 2023. Collection method: clinical testing. Allele origin: germline.
Comment: The p.G867S variant (also known as c.2599G>A), located in coding exon 21 of the KDM1A gene, results from a G to A substitution at nucleotide position 2599. The glycine at codon 867 is replaced by serine, an amino acid with similar properties. This amino acid position is conserved. In addition, this alteration is predicted to be tolerated by in silico analysis. Based on the available evidence, the clinical significance of this variant remains unclear.

NM_001009999.3(KDM1A):c.2599G>A (p.Gly867Ser)

Gene: KDM1A (lysine demethylase 1A; plus strand). Cytogenetic location: 1p36.12.
Variant type: single nucleotide variant.
Coding change: c.2599G>A on transcript NM_001009999.3 (MANE Select); coding-DNA position 2599, G replaced by A.
Protein change: p.Gly867Ser; replaces glycine 867 with serine.
Molecular consequence: missense variant. On other transcripts: 3 prime UTR variant (1).
Genome position (GRCh38, 1-based): chr1:23,083,332, G>A. VCF-style: chr1-23083332-G-A. GRCh37 (hg19) VCF-style: chr1-23409825-G-A.
Other names: c.2545G>A, p.Gly849Ser (NM_001363654.2); c.2605G>A, p.Gly869Ser (NM_001410762.1); c.*847G>A (NM_001410763.1); c.2527G>A, p.Gly843Ser (NM_015013.4); short protein forms G843S, G849S, G867S, G869S.
Identifiers: ClinVar variation 4858749 (VCV004858749.1).